The following is an entry in ClinVar:

ClinVar aggregate classification (germline): Benign (1 of 4 stars; one submission).

Submission:

GeneDx
Classification: Benign. Last evaluated: 2018-06-14. Review status: criteria provided, single submitter. Criteria: GeneDx Variant Classification (06012015). Collection method: clinical testing. Allele origin: germline. Affected: yes.
Comment: This variant is considered likely benign or benign based on one or more of the following criteria: it is a conservative change, it occurs at a poorly conserved position in the protein, it is predicted to be benign by multiple in silico algorithms, and/or has population frequency not consistent with disease.

NM_001365088.1(SLC12A6):c.1334-41dup

Gene: SLC12A6 (solute carrier family 12 member 6; minus strand). Cytogenetic location: 15q14.
Variant type: Duplication.
Coding change: c.1334-41dup on transcript NM_001365088.1 (MANE Select); 41 bases into the intron before coding-DNA position 1334, one base duplicated (T; older notation c.1334-41dupT).
Molecular consequence: intron variant.
Genome position (GRCh38, 1-based): chr15:34,251,098, A duplicated on the plus strand (T on the coding strand, the reverse complement: SLC12A6 is on the minus strand); the first of 10 consecutive A bases (chr15:34,251,098-34,251,107); duplicating any one gives the same sequence. VCF-style (leftmost placement, unchanged base first): chr15-34251097-G-GA. GRCh37 (hg19) VCF-style: chr15-34543298-G-GA.
Other names: c.1334-41_1334-40insT (NM_133647.1); c.1157-41dup (NM_001042495.2, NM_001042494.2); c.1307-41dup (NM_001042496.2); c.1289-41dup (NM_001042497.2); c.1334-41dup (NM_133647.2); c.1181-41dup (NM_005135.2).
Identifiers: ClinVar variation 673452 (VCV000673452.1), dbSNP rs11382535, ClinGen allele CA7464329.